The following is an entry in ClinVar:

NM_020779.4(WDR35):c.504T>A (p.Ser168Arg)

Gene: WDR35 (WD repeat domain 35; minus strand). Cytogenetic location: 2p24.1.
Variant type: single nucleotide variant.
Coding change: c.504T>A on transcript NM_020779.4 (MANE Select); coding-DNA position 504, T replaced by A.
Protein change: p.Ser168Arg; replaces serine 168 with arginine.
Molecular consequence: missense variant.
Genome position (GRCh38, 1-based): chr2:19,975,596, A>T on the plus strand (T>A on the coding strand, the complement: WDR35 is on the minus strand). VCF-style: chr2-19975596-A-T. GRCh37 (hg19) VCF-style: chr2-20175357-A-T.
Other names: c.504T>A, p.Ser168Arg (NM_001006657.2); short protein forms S168R.
Identifiers: ClinVar variation 1480830 (VCV001480830.7), dbSNP rs397515536, ClinGen allele CA344948.

ClinVar aggregate classification (germline): Likely pathogenic (1 of 4 stars; one submission).

Conditions:
Short-rib thoracic dysplasia 7 with or without polydactyly (SRTD7). Also called: Short rib polydactyly syndrome 5; SHORT-RIB THORACIC DYSPLASIA 7 WITH POLYDACTYLY. Identifiers: Orphanet 498497, Orphanet 93271, MedGen C3279792, MONDO:0013569, OMIM 614091.
Cranioectodermal dysplasia 2 (CED2). Identifiers: Orphanet 1515, MedGen C3150874, MONDO:0013323, OMIM 613610.

Allele frequency attached by ClinVar (database versions not stated): gnomAD exomes 0.00001; TOPMed 0.00001.
gnomAD v4.1: 5 of 1,614,012 alleles (0.00031%); highest among the groups gnomAD compares: Non-Finnish European, 0.00042%; no homozygotes.

Submission:

Labcorp Genetics (formerly Invitae), Labcorp
Classification: Likely pathogenic for Cranioectodermal dysplasia 2; Short-rib thoracic dysplasia 7 with or without polydactyly. Last evaluated: 2021-07-15. Review status: criteria provided, single submitter. Criteria: Invitae Variant Classification Sherloc (09022015). Collection method: clinical testing. Allele origin: germline.
Comment: This sequence change replaces serine with arginine at codon 168 of the WDR35 protein (p.Ser168Arg). The serine residue is highly conserved and there is a moderate physicochemical difference between serine and arginine. This variant is not present in population databases (ExAC no frequency). This variant has been observed in individual(s) with clinical features of a WDR35-related condition (PMID: 22486404; Invitae). In at least one individual the data is consistent with the variant being in trans (on the opposite chromosome) from a pathogenic variant. Algorithms developed to predict the effect of missense changes on protein structure and function (SIFT, PolyPhen-2, Align-GVGD) all suggest that this variant is likely to be tolerated. In summary, the currently available evidence indicates that the variant is pathogenic, but additional data are needed to prove that conclusively. Therefore, this variant has been classified as Likely Pathogenic.

Literature cited by the submitters: PubMed 22486404.